The following is an entry in ClinVar:

ClinVar aggregate classification (germline): Likely pathogenic (0 of 4 stars; one submission).

Conditions:
Split hand-foot malformation 6. Also called: ECTRODACTYLY, AUTOSOMAL RECESSIVE. Identifiers: Orphanet 2440, MedGen C2749665, MONDO:0009157, OMIM 225300.

Submission:

Molecular Pathology and Genetics, King Abdulaziz Medical City, Ministry of National Guard - Health Affairs
Classification: Likely pathogenic for Split hand-foot malformation 6. Last evaluated: 2019-02-04. Review status: no assertion criteria provided. Collection method: clinical testing. Allele origin: germline. Affected: yes.
Comment: This variant was observed in compound heterozygosity with variant NM_003394.3:c.676C>T

NM_003394.4(WNT10B):c.257A>C (p.Gln86Pro)

Gene: WNT10B (Wnt family member 10B; minus strand). Cytogenetic location: 12q13.12.
Variant type: single nucleotide variant.
Coding change: c.257A>C on transcript NM_003394.4 (MANE Select); coding-DNA position 257, A replaced by C.
Protein change: p.Gln86Pro; replaces glutamine 86 with proline.
Molecular consequence: missense variant.
Genome position (GRCh38, 1-based): chr12:48,970,169, T>G on the plus strand (A>C on the coding strand, the complement: WNT10B is on the minus strand). VCF-style: chr12-48970169-T-G. GRCh37 (hg19) VCF-style: chr12-49363952-T-G.
Other names: short protein forms Q86P.
Identifiers: ClinVar variation 638164 (VCV000638164.1), dbSNP rs1592252556, ClinGen allele CA384681435.